The following is an entry in ClinVar:

ClinVar aggregate classification (germline): Conflicting classifications of pathogenicity. Review status: criteria provided, conflicting classifications (1 of 4 stars). 5 submissions from 5 submitters: Uncertain significance (4); Likely benign (1). Last evaluated 2025-01-10.

Conditions:
Kufor-Rakeb syndrome (KRS). Also called: PARKINSON DISEASE 9, AUTOSOMAL RECESSIVE, JUVENILE-ONSET. Identifiers: Orphanet 306674, Orphanet 314632, MedGen C1847640, MONDO:0011706, OMIM 606693.
Autosomal recessive spastic paraplegia type 78. Identifiers: Orphanet 513436, MedGen C5567893, MONDO:0014975, OMIM 617225.
Inborn genetic diseases. Identifiers: MedGen C0950123, MeSH D030342.

Allele frequency attached by ClinVar (database versions not stated): gnomAD exomes 0.00003 and 0.00008; TOPMed 0.00011; ExAC 0.00012; gnomAD 0.00015; 1000 Genomes Project 30x 0.00016; 1000 Genomes Project 0.00020; ESP Exome Variant Server 0.00031.
gnomAD v4.1: 68 of 1,613,800 alleles (0.0042%); highest among the groups gnomAD compares: Admixed American, 0.03%; no homozygotes.

Submissions (5):

Ambry Genetics
Classification: Likely benign for Inborn genetic diseases. Last evaluated: 2025-01-10. Review status: criteria provided, single submitter. Criteria: Ambry Variant Classification Scheme 2023. Collection method: clinical testing. Allele origin: germline.

GeneDx
Classification: Uncertain significance. Last evaluated: 2024-05-02. Review status: criteria provided, single submitter. Criteria: GeneDx Variant Classification Process June 2021. Collection method: clinical testing. Allele origin: germline. Affected: yes.
Comment: In silico analysis supports that this missense variant has a deleterious effect on protein structure/function; Has not been previously published as pathogenic or benign to our knowledge

Blueprint Genetics
Classification: Uncertain significance. Last evaluated: 2023-08-10. Review status: criteria provided, single submitter. Criteria: ACMG Guidelines, 2015. Collection method: clinical testing. Allele origin: germline.

Labcorp Genetics (formerly Invitae), Labcorp
Classification: Uncertain significance for Kufor-Rakeb syndrome; Autosomal recessive spastic paraplegia type 78. Last evaluated: 2022-11-22. Review status: criteria provided, single submitter. Criteria: Invitae Variant Classification Sherloc (09022015). Collection method: clinical testing. Allele origin: germline.
Comment: In summary, the available evidence is currently insufficient to determine the role of this variant in disease. Therefore, it has been classified as a Variant of Uncertain Significance. Advanced modeling of protein sequence and biophysical properties (such as structural, functional, and spatial information, amino acid conservation, physicochemical variation, residue mobility, and thermodynamic stability) performed at Invitae indicates that this missense variant is not expected to disrupt ATP13A2 protein function. ClinVar contains an entry for this variant (Variation ID: 69026). This variant has not been reported in the literature in individuals affected with ATP13A2-related conditions. This variant is present in population databases (rs142616130, gnomAD 0.03%). This sequence change replaces arginine, which is basic and polar, with tryptophan, which is neutral and slightly polar, at codon 370 of the ATP13A2 protein (p.Arg370Trp).

Illumina Laboratory Services, Illumina
Classification: Uncertain significance for Kufor-Rakeb syndrome. Last evaluated: 2017-04-27. Review status: criteria provided, single submitter. Criteria: ICSL Variant Classification Criteria 13 December 2019. Collection method: clinical testing. Allele origin: germline.

NM_022089.4(ATP13A2):c.1108C>T (p.Arg370Trp)

Gene: ATP13A2 (ATPase cation transporting 13A2; minus strand). Cytogenetic location: 1p36.13.
Variant type: single nucleotide variant.
Coding change: c.1108C>T on transcript NM_022089.4 (MANE Select); coding-DNA position 1108, C replaced by T.
Protein change: p.Arg370Trp; replaces arginine 370 with tryptophan.
Molecular consequence: missense variant.
Genome position (GRCh38, 1-based): chr1:16,997,107, G>A on the plus strand (C>T on the coding strand, the complement: ATP13A2 is on the minus strand). VCF-style: chr1-16997107-G-A. GRCh37 (hg19) VCF-style: chr1-17323602-G-A.
Other names: c.1093C>T, p.Arg365Trp (NM_001141973.3, NM_001141974.3); short protein forms R370W, R365W.
Identifiers: ClinVar variation 69026 (VCV000069026.9), dbSNP rs142616130, ClinGen allele CA637367.
Genomic context (GRCh38, chr1:16,997,107, plus strand): 5'-GCGGTCCCACATAGGCCCGGGCCTGCAAGATGAGGGTCCCGCAGAAGAGTGTGTGCCGCC[G>A]GTGTGTCTCTGCACAGTAGGGCCCCAGCCCCTCCGGCAGTGCCGTCTTCAGCACTGGAAT-3'
Protein context (NP_071372.1, residues 360-380): GLGPYCAETH[Arg370Trp]RHTLFCGTLI